The following is an entry in ClinVar:

NM_001177519.3(MICA):c.684C>G (p.Ser228=)

Gene: MICA (MHC class I polypeptide-related sequence A; plus strand). Cytogenetic location: 6p21.33.
Variant type: single nucleotide variant.
Coding change: c.684C>G on transcript NM_001177519.3 (MANE Select); coding-DNA position 684, C replaced by G.
Protein change: p.Ser228=; no amino-acid change (serine 228 retained).
Molecular consequence: synonymous variant.
Genome position (GRCh38, 1-based): chr6:31,412,017, C>G. VCF-style: chr6-31412017-C-G. GRCh37 (hg19) VCF-style: chr6-31379794-C-G.
Other names: c.393C>G, p.Ser131= (NM_001289152.2, NM_001289153.2); c.270C>G, p.Ser90= (NM_001289154.2).
Identifiers: ClinVar variation 3257563 (VCV003257563.17).

ClinVar aggregate classification (germline): Likely benign (1 of 4 stars; one submission).

Submission:

CeGaT Center for Human Genetics Tuebingen
Classification: Likely benign. Last evaluated: 2024-07-01. Review status: criteria provided, single submitter. Criteria: CeGaT Center For Human Genetics Tuebingen Variant Classification Criteria Version 2. Collection method: clinical testing. Allele origin: germline. Affected: yes. Observed: 1 variant allele.
Comment: MICA: PM2:Supporting, BP4, BP7